The following is an entry in ClinVar:

NM_001371395.1(USP53):c.972+3_972+6del

Gene: USP53 (ubiquitin specific peptidase 53; plus strand). Cytogenetic location: 4q26.
Variant type: Deletion.
Coding change: c.972+3_972+6del on transcript NM_001371395.1 (MANE Select); bases 3 to 6 of the intron after coding-DNA position 972, 4 bases deleted (AAGT; older notation c.972+3_972+6delAAGT).
Molecular consequence: splice donor variant. On other transcripts: intron variant (1).
Genome position (GRCh38, 1-based): chr4:119,261,867-119,261,870, AAGT deleted; deleting any 4 consecutive bases within chr4:119,261,865-119,261,870 gives the same sequence; the c. name uses the placement nearest the transcript's 3' end. VCF-style (leftmost placement, unchanged base first): chr4-119261864-GGTAA-G. GRCh37 (hg19) VCF-style: chr4-120183019-GGTAA-G.
Other names: c.972+3_972+6del (NM_019050.3, NM_001389661.1, NM_001389658.1 and 5 more transcripts); c.624+3_624+6del (NM_001389663.1, NM_001389667.1, NM_001389664.1 and 3 more transcripts); c.822+1214_822+1217del (NM_001389660.1).
Identifiers: ClinVar variation 1705415 (VCV001705415.1), dbSNP rs2530515702, ClinGen allele CA2580071420.

ClinVar aggregate classification (germline): Likely pathogenic (1 of 4 stars; one submission).

Conditions:
Cholestasis, progressive familial intrahepatic, 7, with or without hearing loss. Identifiers: MedGen C5562043, MONDO:0030503, OMIM 619658.

Submission:

3billion
Classification: Likely pathogenic for Cholestasis, progressive familial intrahepatic, 7, with or without hearing loss. Last evaluated: 2022-09-01. Review status: criteria provided, single submitter. Criteria: ACMG Guidelines, 2015. Collection method: clinical testing. Allele origin: germline. Affected: yes. Observed: 1 heterozygote.
Comment: The variant is not observed in the gnomAD v2.1.1 dataset. Canonical splice site is predicted to alter splicing and result in a loss or disruption of normal protein function. Multiple pathogenic loss-of-function variants are reported downstream of the variant. Therefore, this variant is classified as Likely pathogenic according to the recommendation of ACMG/AMP guideline.